The following is an entry in ClinVar:

ClinVar aggregate classification (germline): Uncertain significance (1 of 4 stars; one submission).

Conditions:
Familial thoracic aortic aneurysm and aortic dissection (TAAD). Also called: Thoracic aortic aneurysms and dissections. Identifiers: Orphanet 91387, MedGen C4707243, MONDO:0019625.

Submission:

Ambry Genetics
Classification: Uncertain significance for Familial thoracic aortic aneurysm and aortic dissection. Last evaluated: 2026-07-02. Review status: criteria provided, single submitter. Criteria: Ambry Variant Classification Scheme 2023. Collection method: clinical testing. Allele origin: germline.
Comment: The p.E1046Q variant (also known as c.3136G>C), located in coding exon 24 of the MYH11 gene, results from a G to C substitution at nucleotide position 3136. The glutamic acid at codon 1046 is replaced by glutamine, an amino acid with highly similar properties. This amino acid position is conserved. In addition, the in silico prediction for this alteration is inconclusive. Based on the available evidence, the clinical significance of this variant remains unclear.

NM_002474.3(MYH11):c.3136G>C (p.Glu1046Gln)

Gene: MYH11 (myosin heavy chain 11; minus strand). Cytogenetic location: 16p13.11.
Variant type: single nucleotide variant.
Coding change: c.3136G>C on transcript NM_002474.3 (MANE Select); coding-DNA position 3136, G replaced by C.
Protein change: p.Glu1046Gln; replaces glutamic acid 1046 with glutamine.
Molecular consequence: missense variant.
Genome position (GRCh38, 1-based): chr16:15,737,606, C>G on the plus strand (G>C on the coding strand, the complement: MYH11 is on the minus strand). VCF-style: chr16-15737606-C-G. GRCh37 (hg19) VCF-style: chr16-15831463-C-G.
Other names: c.3157G>C, p.Glu1053Gln (NM_001040113.2, NM_001040114.2); c.3136G>C, p.Glu1046Gln (NM_022844.3); short protein forms E1053Q, E1046Q.
Identifiers: ClinVar variation 5025073 (VCV005025073.1).